The following is an entry in ClinVar:

NM_003325.4(HIRA):c.2396+8del

Gene: HIRA (histone cell cycle regulator; minus strand). Cytogenetic location: 22q11.21.
Variant type: Deletion.
Coding change: c.2396+8del on transcript NM_003325.4 (MANE Select); 8 bases into the intron after coding-DNA position 2396, one base deleted (G; older notation c.2396+8delG).
Molecular consequence: intron variant.
Genome position (GRCh38, 1-based): chr22:19,356,882, C deleted on the plus strand (G on the coding strand, the reverse complement: HIRA is on the minus strand); the first of 2 consecutive C bases (chr22:19,356,882-19,356,883); deleting either gives the same sequence. VCF-style (leftmost placement, unchanged base first): chr22-19356881-GC-G. GRCh37 (hg19) VCF-style: chr22-19344404-GC-G.
Identifiers: ClinVar variation 3042367 (VCV003042367.2), dbSNP rs199687182, ClinGen allele CA10099401.
Genomic context (GRCh38, chr22:19,356,881, plus strand): 5'-TGAGGTGGGGCCTACACAGCCCTGTCCTGCCCTGGCTGAAGCCCACCCCACCCTGTGCCT[GC>G]CTCTCACCAGACAGAGAGTGTGGCTGCAGCGGTGAGCGCCATGACGTAGGAGCCTGTGCA-3'

ClinVar aggregate classification (germline): Benign (0 of 4 stars; one submission).

Conditions:
HIRA-related disorder.

Submission:

PreventionGenetics, part of Exact Sciences
Classification: Benign for HIRA-related condition. Last evaluated: 2019-11-20. Review status: no assertion criteria provided. Collection method: clinical testing. Allele origin: germline.
Comment: This variant is classified as benign based on ACMG/AMP sequence variant interpretation guidelines (Richards et al. 2015 PMID: 25741868, with internal and published modifications).